The following is an entry in ClinVar:

NM_007194.4(CHEK2):c.326_341del (p.Val109fs)

Gene: CHEK2 (checkpoint kinase 2; minus strand). Cytogenetic location: 22q12.1.
Variant type: Deletion.
Coding change: c.326_341del on transcript NM_007194.4 (MANE Select); coding-DNA positions 326 to 341, 16 bases deleted (TGAATGACAACTACTG).
Protein change: p.Val109fs; shifts the reading frame from valine 109.
Molecular consequence: frameshift variant.
Genome position (GRCh38, 1-based): chr22:28,725,346-28,725,361, CAGTAGTTGTCATTCA deleted on the plus strand (TGAATGACAACTACTG on the coding strand, the reverse complement: CHEK2 is on the minus strand); deleting any 16 consecutive bases within chr22:28,725,346-28,725,363 gives the same sequence; the c. name uses the placement nearest the transcript's 3' end. VCF-style (leftmost placement, unchanged base first): chr22-28725345-CCAGTAGTTGTCATTCA-C. GRCh37 (hg19) VCF-style: chr22-29121333-CCAGTAGTTGTCATTCA-C.
Other names: c.453_468del16, p.Val152Glyfs (NM_001005735.3); c.-454_-439del16 (NM_001257387.3); c.324_339del16, p.Val109Glyfs (NM_001349956.3, NM_145862.3); short protein forms V152fs, V109fs.
Identifiers: ClinVar variation 3266964 (VCV003266964.1).

ClinVar aggregate classification (germline): Pathogenic (1 of 4 stars; one submission).

Conditions:
Hereditary cancer-predisposing syndrome. Also called: Hereditary Cancer Syndrome; Tumor predisposition; Hereditary neoplastic syndrome; Neoplastic Syndromes, Hereditary. Identifiers: Orphanet 140162, MedGen C0027672, MeSH D009386, MONDO:0015356.

Submission:

Ambry Genetics
Classification: Pathogenic for Hereditary cancer-predisposing syndrome. Last evaluated: 2024-05-31. Review status: criteria provided, single submitter. Criteria: Ambry Variant Classification Scheme 2023. Collection method: clinical testing. Allele origin: germline.
Comment: The c.326_341del16 pathogenic mutation, located in coding exon 2 of the CHEK2 gene, results from a deletion of 16 nucleotides at nucleotide positions 326 to 341, causing a translational frameshift with a predicted alternate stop codon (p.V109Gfs*17). This variant is considered to be rare based on population cohorts in the Genome Aggregation Database (gnomAD). This alteration is expected to result in loss of function by premature protein truncation or nonsense-mediated mRNA decay. As such, this alteration is interpreted as a disease-causing mutation.